The following is an entry in ClinVar:

ClinVar aggregate classification (germline): Uncertain significance (1 of 4 stars; one submission).

Allele frequency attached by ClinVar (database versions not stated): ExAC 0.00001; gnomAD 0.00001; 1000 Genomes Project 30x 0.00016; 1000 Genomes Project 0.00020.
gnomAD v4.1: 1 of 1,592,850 alleles (0.000063%); highest among the groups gnomAD compares: African/African-American, 0.0014%; no homozygotes.

Submission:

Labcorp Genetics (formerly Invitae), Labcorp
Classification: Uncertain significance. Last evaluated: 2021-12-19. Review status: criteria provided, single submitter. Criteria: Invitae Variant Classification Sherloc (09022015). Collection method: clinical testing. Allele origin: germline.
Comment: In summary, the available evidence is currently insufficient to determine the role of this variant in disease. Therefore, it has been classified as a Variant of Uncertain Significance. Algorithms developed to predict the effect of missense changes on protein structure and function are either unavailable or do not agree on the potential impact of this missense change (SIFT: "Deleterious"; PolyPhen-2: "Possibly Damaging"; Align-GVGD: "Class C0"). This variant has not been reported in the literature in individuals affected with RGS9-related conditions. This variant is present in population databases (rs529729193, gnomAD 0.007%). This sequence change replaces glutamic acid, which is acidic and polar, with aspartic acid, which is acidic and polar, at codon 164 of the RGS9 protein (p.Glu164Asp).

NM_003835.4(RGS9):c.492G>T (p.Glu164Asp)

Gene: RGS9 (regulator of G protein signaling 9; plus strand). Cytogenetic location: 17q24.1.
Variant type: single nucleotide variant.
Coding change: c.492G>T on transcript NM_003835.4 (MANE Select); coding-DNA position 492, G replaced by T.
Protein change: p.Glu164Asp; replaces glutamic acid 164 with aspartic acid.
Molecular consequence: missense variant.
Genome position (GRCh38, 1-based): chr17:65,163,081, G>T. VCF-style: chr17-65163081-G-T. GRCh37 (hg19) VCF-style: chr17-63159199-G-T.
Other names: c.492G>T, p.Glu164Asp (NM_001081955.3, NM_001165933.2); short protein forms E164D.
Identifiers: ClinVar variation 2048019 (VCV002048019.4), dbSNP rs529729193, ClinGen allele CA8717683.